The following is an entry in ClinVar:

NM_001110556.2(FLNA):c.5026A>G (p.Thr1676Ala)

Gene: FLNA (filamin A; minus strand). Cytogenetic location: Xq28.
Variant type: single nucleotide variant.
Coding change: c.5026A>G on transcript NM_001110556.2 (MANE Select); coding-DNA position 5026, A replaced by G.
Protein change: p.Thr1676Ala; replaces threonine 1676 with alanine.
Molecular consequence: missense variant.
Genome position (GRCh38, 1-based): chrX:154,355,016, T>C on the plus strand (A>G on the coding strand, the complement: FLNA is on the minus strand). VCF-style: chrX-154355016-T-C. GRCh37 (hg19) VCF-style: chrX-153583384-T-C.
Other names: c.5002A>G, p.Thr1668Ala (NM_001456.4); short protein forms T1668A, T1676A.
Identifiers: ClinVar variation 4792295 (VCV004792295.1).

ClinVar aggregate classification (germline): Uncertain significance (1 of 4 stars; one submission).

Conditions:
Heterotopia, periventricular, X-linked dominant (PVNH1). Also called: PERIVENTRICULAR NODULAR HETEROTOPIA 1; X-linked periventricular heterotopia; PERIVENTRICULAR NODULAR HETEROTOPIA 4; HETEROTOPIA, PERIVENTRICULAR, 1. Identifiers: Orphanet 2149, Orphanet 82004, MedGen C1848213, MONDO:0010233, OMIM 300049.
Melnick-Needles syndrome (MNS). Also called: MELNICK-NEEDLES OSTEODYSPLASTY; OSTEODYSPLASTY OF MELNICK AND NEEDLES; Melnick-Needles Syndrome (FLNA-MNS). Identifiers: Orphanet 2484, MedGen C0025237, MONDO:0010650, OMIM 309350.
Frontometaphyseal dysplasia (FMD1). Identifiers: Orphanet 1826, MedGen C0265293, MONDO:0015942.
Oto-palato-digital syndrome, type II (OPD2). Also called: FACIOPALATOOSSEOUS SYNDROME; OPD II SYNDROME; Otopalatodigital Syndrome Type 2 (FLNA-OPD2); Otopalatodigital Syndrome, Type II. Identifiers: Orphanet 669, Orphanet 90652, MedGen C1844696, MONDO:0010571, OMIM 304120.

Submission:

Labcorp Genetics (formerly Invitae), Labcorp
Classification: Uncertain significance for Oto-palato-digital syndrome, type II; Heterotopia, periventricular, X-linked dominant; Frontometaphyseal dysplasia; Melnick-Needles syndrome. Last evaluated: 2025-11-19. Review status: criteria provided, single submitter. Criteria: Invitae Variant Classification Sherloc (09022015). Collection method: clinical testing. Allele origin: germline.
Comment: This sequence change replaces threonine, which is neutral and polar, with alanine, which is neutral and non-polar, at codon 1668 of the FLNA protein (p.Thr1668Ala). This variant is not present in population databases (gnomAD no frequency). This variant has not been reported in the literature in individuals affected with FLNA-related conditions. Invitae Evidence Modeling of protein sequence and biophysical properties (such as structural, functional, and spatial information, amino acid conservation, physicochemical variation, residue mobility, and thermodynamic stability) indicates that this missense variant is not expected to disrupt FLNA protein function with a negative predictive value of 95%. In summary, the available evidence is currently insufficient to determine the role of this variant in disease. Therefore, it has been classified as a Variant of Uncertain Significance.